The following is an entry in ClinVar:

NM_014244.5(ADAMTS2):c.819C>T (p.Gly273=)

Gene: ADAMTS2 (ADAM metallopeptidase with thrombospondin type 1 motif 2; minus strand). Cytogenetic location: 5q35.3.
Variant type: single nucleotide variant.
Coding change: c.819C>T on transcript NM_014244.5 (MANE Select); coding-DNA position 819, C replaced by T.
Protein change: p.Gly273=; no amino-acid change (glycine 273 retained).
Molecular consequence: synonymous variant.
Genome position (GRCh38, 1-based): chr5:179,207,585, G>A on the plus strand (C>T on the coding strand, the complement: ADAMTS2 is on the minus strand). VCF-style: chr5-179207585-G-A. GRCh37 (hg19) VCF-style: chr5-178634586-G-A.
Other names: c.819C>T, p.Gly273= (NM_021599.4).
Identifiers: ClinVar variation 905751 (VCV000905751.15), dbSNP rs751895494, ClinGen allele CA3596150.

ClinVar aggregate classification (germline): Conflicting classifications of pathogenicity. Review status: criteria provided, conflicting classifications (1 of 4 stars). 4 submissions from 4 submitters: Uncertain significance (2); Likely benign (2). Last evaluated 2026-02-01.

Conditions:
Ehlers-Danlos syndrome, dermatosparaxis type. Also called: Dermatosparaxis; Ehlers-Danlos syndrome, type VII, autosomal recessive; EDS VIIC. Identifiers: Orphanet 1901, MedGen C2700425, MONDO:0009161, OMIM 225410.
Ehlers-Danlos syndrome (EDS). Identifiers: Orphanet 98249, MedGen C0013720, MONDO:0020066.

Allele frequency attached by ClinVar (database versions not stated): ExAC 0.00001; gnomAD 0.00001; gnomAD exomes 0.00001; TOPMed 0.00001.
gnomAD v4.1: 30 of 1,612,822 alleles (0.0019%); highest among the groups gnomAD compares: African/African-American, 0.004%; no homozygotes.

Submissions (4):

CeGaT Center for Human Genetics Tuebingen
Classification: Likely benign. Last evaluated: 2026-02-01. Review status: criteria provided, single submitter. Criteria: CeGaT Center For Human Genetics Tuebingen Variant Classification Criteria Version 2. Collection method: clinical testing. Allele origin: germline. Affected: yes. Observed: 1 variant allele.
Comment: ADAMTS2: BP4, BP7

Labcorp Genetics (formerly Invitae), Labcorp
Classification: Likely benign for Ehlers-Danlos syndrome, dermatosparaxis type. Last evaluated: 2025-08-04. Review status: criteria provided, single submitter. Criteria: Invitae Variant Classification Sherloc (09022015). Collection method: clinical testing. Allele origin: germline.

Genome Diagnostics Laboratory, The Hospital for Sick Children
Classification: Uncertain significance for Ehlers-Danlos syndrome. Last evaluated: 2022-01-17. Review status: criteria provided, single submitter. Criteria: ACMG Guidelines, 2015. Collection method: clinical testing. Allele origin: germline.

Illumina Laboratory Services, Illumina
Classification: Uncertain significance for Ehlers-Danlos syndrome, dermatosparaxis type. Last evaluated: 2018-01-12. Review status: criteria provided, single submitter. Criteria: ICSL Variant Classification Criteria 13 December 2019. Collection method: clinical testing. Allele origin: germline.